The following is an entry in ClinVar:

ClinVar aggregate classification (germline): Uncertain significance. Review status: criteria provided, multiple submitters, no conflicts (2 of 4 stars). 3 submissions from 3 submitters: Uncertain significance (3). Last evaluated 2025-08-20.

Conditions:
Inborn genetic diseases. Identifiers: MedGen C0950123, MeSH D030342.

Allele frequency attached by ClinVar (database versions not stated): gnomAD exomes 0.00001; TOPMed 0.00001; gnomAD 0.00002.
gnomAD v4.1: 6 of 1,613,750 alleles (0.00037%); highest among the groups gnomAD compares: African/African-American, 0.0027%; no homozygotes.

Submissions (3):

Ambry Genetics
Classification: Uncertain significance for Inborn genetic diseases. Last evaluated: 2025-08-20. Review status: criteria provided, single submitter. Criteria: Ambry Variant Classification Scheme 2023. Collection method: clinical testing. Allele origin: germline.

Labcorp Genetics (formerly Invitae), Labcorp
Classification: Uncertain significance. Last evaluated: 2022-06-05. Review status: criteria provided, single submitter. Criteria: Invitae Variant Classification Sherloc (09022015). Collection method: clinical testing. Allele origin: germline.
Comment: This sequence change replaces proline, which is neutral and non-polar, with serine, which is neutral and polar, at codon 972 of the IMPG2 protein (p.Pro972Ser). This variant is present in population databases (no rsID available, gnomAD 0.004%). This variant has not been reported in the literature in individuals affected with IMPG2-related conditions. ClinVar contains an entry for this variant (Variation ID: 1491972). Algorithms developed to predict the effect of missense changes on protein structure and function are either unavailable or do not agree on the potential impact of this missense change (SIFT: "Tolerated"; PolyPhen-2: "Possibly Damaging"; Align-GVGD: "Class C0"). In summary, the available evidence is currently insufficient to determine the role of this variant in disease. Therefore, it has been classified as a Variant of Uncertain Significance.

Blueprint Genetics
Classification: Uncertain significance. Last evaluated: 2018-05-15. Review status: criteria provided, single submitter. Criteria: ACMG Guidelines, 2015. Collection method: clinical testing. Allele origin: germline.

NM_016247.4(IMPG2):c.2914C>T (p.Pro972Ser)

Gene: IMPG2 (interphotoreceptor matrix proteoglycan 2; minus strand). Cytogenetic location: 3q12.3.
Variant type: single nucleotide variant.
Coding change: c.2914C>T on transcript NM_016247.4 (MANE Select); coding-DNA position 2914, C replaced by T.
Protein change: p.Pro972Ser; replaces proline 972 with serine.
Molecular consequence: missense variant.
Genome position (GRCh38, 1-based): chr3:101,242,796, G>A on the plus strand (C>T on the coding strand, the complement: IMPG2 is on the minus strand). VCF-style: chr3-101242796-G-A. GRCh37 (hg19) VCF-style: chr3-100961640-G-A.
Other names: c.2914C>T (NM_016247.3); short protein forms P972S.
Identifiers: ClinVar variation 1491972 (VCV001491972.5), dbSNP rs867462601, ClinGen allele CA79721064.